The following is an entry in ClinVar:

NM_001519.4(BRF1):c.213C>T (p.Gly71=)

Gene: BRF1 (BRF1 general transcription factor IIIB subunit; minus strand). Cytogenetic location: 14q32.33.
Variant type: single nucleotide variant.
Coding change: c.213C>T on transcript NM_001519.4 (MANE Select); coding-DNA position 213, C replaced by T.
Protein change: p.Gly71=; no amino-acid change (glycine 71 retained).
Molecular consequence: synonymous variant. On other transcripts: intron variant (1), 5 prime UTR variant (2).
Genome position (GRCh38, 1-based): chr14:105,286,348, G>A on the plus strand (C>T on the coding strand, the complement: BRF1 is on the minus strand). VCF-style: chr14-105286348-G-A. GRCh37 (hg19) VCF-style: chr14-105752685-G-A.
Other names: c.185-13454C>T (NM_001242788.2); c.-133C>T (NM_001242786.2, NM_001242787.2); c.213C>T, p.Gly71= (NM_001242790.2).
Identifiers: ClinVar variation 3250618 (VCV003250618.18), dbSNP rs756992018.

ClinVar aggregate classification (germline): Likely benign (1 of 4 stars; one submission).

Allele frequency attached by ClinVar (database versions not stated): gnomAD exomes 0.00004; TOPMed 0.00004; gnomAD 0.00006; ExAC 0.00008.
gnomAD v4.1: 68 of 1,613,386 alleles (0.0042%); highest among the groups gnomAD compares: Non-Finnish European, 0.0053%; no homozygotes.

Submission:

CeGaT Center for Human Genetics Tuebingen
Classification: Likely benign. Last evaluated: 2024-06-01. Review status: criteria provided, single submitter. Criteria: CeGaT Center For Human Genetics Tuebingen Variant Classification Criteria Version 2. Collection method: clinical testing. Allele origin: germline. Affected: yes. Observed: 1 variant allele.
Comment: BRF1: BP4, BP7